The following is an entry in ClinVar:

NM_001024845.3(SLC6A9):c.1835C>T (p.Pro612Leu)

Gene: SLC6A9 (solute carrier family 6 member 9; minus strand). Cytogenetic location: 1p34.1.
Variant type: single nucleotide variant.
Coding change: c.1835C>T on transcript NM_001024845.3 (MANE Select); coding-DNA position 1835, C replaced by T.
Protein change: p.Pro612Leu; replaces proline 612 with leucine.
Molecular consequence: missense variant. On other transcripts: non-coding transcript variant (1).
Genome position (GRCh38, 1-based): chr1:43,997,612, G>A on the plus strand (C>T on the coding strand, the complement: SLC6A9 is on the minus strand). VCF-style: chr1-43997612-G-A. GRCh37 (hg19) VCF-style: chr1-44463284-G-A.
Other names: c.1847C>T, p.Pro616Leu (NM_001261380.2); c.1502C>T, p.Pro501Leu (NM_001328626.2); c.1772C>T, p.Pro591Leu (NM_001328627.1); c.1640C>T, p.Pro547Leu (NM_001328628.1); c.1835C>T, p.Pro612Leu (NM_001328629.1); c.1331C>T, p.Pro444Leu (NM_001328630.2); c.1892C>T, p.Pro631Leu (NM_006934.4); c.2054C>T, p.Pro685Leu (NM_201649.4); and 1 more; short protein forms P501L, P547L, P631L, P591L, P616L, P444L, P685L, P612L.
Identifiers: ClinVar variation 1359347 (VCV001359347.6), dbSNP rs373799403, ClinGen allele CA817340.
Genomic context (GRCh38, chr1:43,997,612, plus strand): 5'-CGGGAGTCCTGGAGGCGGCTGGAGCCATTACTGCCCACAATGGGGATCTGCGCCTTGTCC[G>A]GGTGCAGTGGCTGGACCTCGAAGCCGTCCTCAGGAGAGGGGGCTATGGTGGGGGCGTAGC-3'
Protein context (NP_001020016.1, residues 602-622): EDGFEVQPLH[Pro612Leu]DKAQIPIVGS

ClinVar aggregate classification (germline): Uncertain significance. Review status: criteria provided, multiple submitters, no conflicts (2 of 4 stars). 2 submissions from 2 submitters: Uncertain significance (2). Last evaluated 2022-07-05.

Conditions:
Atypical glycine encephalopathy. Also called: Glycine encephalopathy with normal serum glycine. Identifiers: Orphanet 289863, MedGen C4310943, MONDO:0015010, OMIM 617301.
Inborn genetic diseases. Identifiers: MedGen C0950123, MeSH D030342.

Allele frequency attached by ClinVar (database versions not stated): gnomAD 0.00005 and 0.00006; ESP Exome Variant Server 0.00008; gnomAD exomes 0.00008; TOPMed 0.00009; ExAC 0.00013.
gnomAD v4.1: 52 of 1,613,876 alleles (0.0032%); highest among the groups gnomAD compares: Admixed American, 0.037%; no homozygotes.

Submissions (2):

Labcorp Genetics (formerly Invitae), Labcorp
Classification: Uncertain significance for Atypical glycine encephalopathy. Last evaluated: 2022-07-05. Review status: criteria provided, single submitter. Criteria: Invitae Variant Classification Sherloc (09022015). Collection method: clinical testing. Allele origin: germline.
Comment: This sequence change replaces proline, which is neutral and non-polar, with leucine, which is neutral and non-polar, at codon 685 of the SLC6A9 protein (p.Pro685Leu). This variant is present in population databases (rs373799403, gnomAD 0.06%). This variant has not been reported in the literature in individuals affected with SLC6A9-related conditions. ClinVar contains an entry for this variant (Variation ID: 1359347). Algorithms developed to predict the effect of missense changes on protein structure and function (SIFT, PolyPhen-2, Align-GVGD) all suggest that this variant is likely to be tolerated. In summary, the available evidence is currently insufficient to determine the role of this variant in disease. Therefore, it has been classified as a Variant of Uncertain Significance.

Ambry Genetics
Classification: Uncertain significance for Inborn genetic diseases. Last evaluated: 2021-09-01. Review status: criteria provided, single submitter. Criteria: Ambry Variant Classification Scheme 2023. Collection method: clinical testing. Allele origin: germline.